The following is an entry in ClinVar:

ClinVar aggregate classification (germline): Conflicting classifications of pathogenicity. Review status: criteria provided, conflicting classifications (1 of 4 stars). 7 submissions from 7 submitters: Uncertain significance (6); Likely benign (1). Last evaluated 2026-02-16.

Conditions:
Inborn genetic diseases. Identifiers: MedGen C0950123, MeSH D030342.
Autosomal recessive nonsyndromic hearing loss 79. Identifiers: Orphanet 90636, MedGen C2750082, MONDO:0013215, OMIM 613307.
TPRN-related disorder. Also called: TPRN-related condition.

Allele frequency attached by ClinVar (database versions not stated): 1000 Genomes Project 30x 0.00031; 1000 Genomes Project 0.00040; gnomAD 0.00042 and 0.00046; ESP Exome Variant Server 0.00046; TOPMed 0.00049; gnomAD exomes 0.00021; ExAC 0.00022.
gnomAD v4.1: 183 of 1,612,908 alleles (0.011%); highest among the groups gnomAD compares: African/African-American, 0.14%; 1 homozygote.

Submissions (7):

PreventionGenetics, part of Exact Sciences
Classification: Uncertain significance for TPRN-related condition. Last evaluated: 2026-02-16. Review status: criteria provided, single submitter. Criteria: ACMG Guidelines, 2015. Collection method: clinical testing. Allele origin: germline.
Comment: The TPRN c.1468G>A variant is predicted to result in the amino acid substitution p.Val490Met. To our knowledge, this variant has not been reported in the literature. This variant is reported in 0.17% of alleles in individuals of African descent in gnomAD. At this time, the clinical significance of this variant is uncertain due to the absence of conclusive functional and genetic evidence.

Ambry Genetics
Classification: Uncertain significance for Inborn genetic diseases. Last evaluated: 2025-06-29. Review status: criteria provided, single submitter. Criteria: Ambry Variant Classification Scheme 2023. Collection method: clinical testing. Allele origin: germline.

Blueprint Genetics
Classification: Uncertain significance. Last evaluated: 2024-01-22. Review status: criteria provided, single submitter. Criteria: ACMG Guidelines, 2015. Collection method: clinical testing. Allele origin: germline.

Department of Pathology and Laboratory Medicine, Sinai Health System
Classification: Uncertain significance for Autosomal recessive nonsyndromic hearing loss 79. Last evaluated: 2022-06-09. Review status: criteria provided, single submitter. Criteria: ACMG Guidelines, 2015. Collection method: research. Allele origin: germline.

Labcorp Genetics (formerly Invitae), Labcorp
Classification: Uncertain significance. Last evaluated: 2021-09-24. Review status: criteria provided, single submitter. Criteria: Invitae Variant Classification Sherloc (09022015). Collection method: clinical testing. Allele origin: germline.
Comment: This sequence change replaces valine with methionine at codon 490 of the TPRN protein (p.Val490Met). The valine residue is weakly conserved and there is a small physicochemical difference between valine and methionine. This variant is present in population databases (rs144139211, ExAC 0.2%). This variant has not been reported in the literature in individuals affected with TPRN-related conditions. ClinVar contains an entry for this variant (Variation ID: 286302). Algorithms developed to predict the effect of missense changes on protein structure and function output the following: SIFT: "Tolerated"; PolyPhen-2: "Benign"; Align-GVGD: "Class C0". The methionine amino acid residue is found in multiple mammalian species, which suggests that this missense change does not adversely affect protein function. In summary, the available evidence is currently insufficient to determine the role of this variant in disease. Therefore, it has been classified as a Variant of Uncertain Significance.

GeneDx
Classification: Likely benign. Last evaluated: 2021-01-05. Review status: criteria provided, single submitter. Criteria: GeneDx Variant Classification Process June 2021. Collection method: clinical testing. Allele origin: germline. Affected: yes.

Eurofins Ntd Llc (ga)
Classification: Uncertain significance. Last evaluated: 2016-03-21. Review status: criteria provided, single submitter. Criteria: EGL Classification Definitions 2015. Collection method: clinical testing. Allele origin: germline. Observed: 1 variant allele, 1 heterozygote.

NM_001128228.3(TPRN):c.1468G>A (p.Val490Met)

Gene: TPRN (taperin; minus strand). Cytogenetic location: 9q34.3.
Variant type: single nucleotide variant.
Coding change: c.1468G>A on transcript NM_001128228.3 (MANE Select); coding-DNA position 1468, G replaced by A.
Protein change: p.Val490Met; replaces valine 490 with methionine.
Molecular consequence: missense variant.
Genome position (GRCh38, 1-based): chr9:137,199,244, C>T on the plus strand (G>A on the coding strand, the complement: TPRN is on the minus strand). VCF-style: chr9-137199244-C-T. GRCh37 (hg19) VCF-style: chr9-140093696-C-T.
Other names: short protein forms V490M.
Identifiers: ClinVar variation 286302 (VCV000286302.17), dbSNP rs144139211, ClinGen allele CA5362728.